The following is an entry in ClinVar:

ClinVar aggregate classification (germline): Likely benign. Review status: criteria provided, multiple submitters, no conflicts (2 of 4 stars). 2 submissions from 2 submitters: Likely benign (2). Last evaluated 2024-02-01.

Allele frequency attached by ClinVar (database versions not stated): gnomAD 0.00003; ExAC 0.00004.
gnomAD v4.1: 35 of 1,612,520 alleles (0.0022%); highest among the groups gnomAD compares: Non-Finnish European, 0.00017%; no homozygotes.

Submissions (2):

CeGaT Center for Human Genetics Tuebingen
Classification: Likely benign. Last evaluated: 2024-02-01. Review status: criteria provided, single submitter. Criteria: CeGaT Center For Human Genetics Tuebingen Variant Classification Criteria Version 2. Collection method: clinical testing. Allele origin: germline. Affected: yes. Observed: 1 variant allele.
Comment: FASTKD2: BP4, BP7

Labcorp Genetics (formerly Invitae), Labcorp
Classification: Likely benign. Last evaluated: 2022-08-03. Review status: criteria provided, single submitter. Criteria: Invitae Variant Classification Sherloc (09022015). Collection method: clinical testing. Allele origin: germline.

NM_001136193.2(FASTKD2):c.2082T>C (p.Tyr694=)

Gene: FASTKD2 (FASTK mitochondrial RNA regulator 2; plus strand). Cytogenetic location: 2q33.3.
Variant type: single nucleotide variant.
Coding change: c.2082T>C on transcript NM_001136193.2 (MANE Select); coding-DNA position 2082, T replaced by C.
Protein change: p.Tyr694=; no amino-acid change (tyrosine 694 retained).
Molecular consequence: synonymous variant.
Genome position (GRCh38, 1-based): chr2:206,791,751, T>C. VCF-style: chr2-206791751-T-C. GRCh37 (hg19) VCF-style: chr2-207656475-T-C.
Other names: c.2082T>C, p.Tyr694= (NM_001136194.2, NM_014929.4).
Identifiers: ClinVar variation 1915700 (VCV001915700.27), dbSNP rs776892481, ClinGen allele CA2075362.